The following is an entry in ClinVar:

ClinVar aggregate classification (germline): Uncertain significance. Review status: criteria provided, multiple submitters, no conflicts (2 of 4 stars). 6 submissions from 4 submitters: Uncertain significance (5). 1 of the submissions does not count toward it. Last evaluated 2025-03-06.

Conditions:
Transitory neonatal diabetes mellitus. Also called: Transient neonatal diabetes mellitus. Identifiers: MedGen C0342273, MONDO:0020525, HP:0008255.
Maturity-onset diabetes of the young (MODY). Also called: Maturity onset diabetes mellitus in young. Identifiers: Orphanet 552, MedGen C0342276, MONDO:0018911, HP:0004904.
Hyperinsulinemic hypoglycemia, familial, 1 (HHF1). Also called: Persistent hyperinsulinemic hypoglycemia of infancy; HYPERINSULINISM, FAMILIAL, WITH PANCREATIC NESIDIOBLASTOSIS; HYPOGLYCEMIA, HYPERINSULINEMIC, OF INFANCY; NESIDIOBLASTOSIS OF PANCREAS; Persistent Hyperinsulinemia Hypoglycemia of Infancy. Identifiers: Orphanet 276575, Orphanet 276598, MedGen C2931832, MONDO:0009734, OMIM 256450.
Permanent neonatal diabetes mellitus (PNDM). Identifiers: Orphanet 99885, MedGen C1833104, MONDO:0100164, MONDO:0011643. Disease mechanism: gain of function.

Allele frequency attached by ClinVar (database versions not stated): TOPMed 0.00002; gnomAD 0.00006; ExAC 0.00009.
gnomAD v4.1: 17 of 1,611,000 alleles (0.0011%); highest among the groups gnomAD compares: East Asian, 0.02%; no homozygotes.

Submissions (6):

ARUP Laboratories, Molecular Genetics and Genomics, ARUP Laboratories
Classification: Uncertain significance. Last evaluated: 2025-03-06. Review status: criteria provided, single submitter. Criteria: ARUP Molecular Germline Variant Investigation Process 2024. Collection method: clinical testing. Allele origin: germline.
Comment: The ABCC8 c.853C>T; p.Arg285Trp variant (rs773087569, ClinVar Variation ID: 252656) is reported in the literature in an individual affected with congenital hyperinsulinism that also carried a pathogenic KCNJ11 variant (Lee 2023). This variant is found in the East Asian population with an allele frequency of 0.06% (12/19,932 alleles) in the Genome Aggregation Database (v2.1.1). Computational analyses are uncertain whether this variant is neutral or deleterious (REVEL: 0.614). Due to limited information, the clinical significance of this variant is uncertain at this time. References: Lee CT et al. Genotype-phenotype correlation in Taiwanese children with diazoxide-unresponsive congenital hyperinsulinism. Front Endocrinol (Lausanne). 2023 Nov 16;14:1283907. PMID: 38033998.

Labcorp Genetics (formerly Invitae), Labcorp
Classification: Uncertain significance. Last evaluated: 2022-09-22. Review status: criteria provided, single submitter. Criteria: Invitae Variant Classification Sherloc (09022015). Collection method: clinical testing. Allele origin: germline.
Comment: This sequence change replaces arginine, which is basic and polar, with tryptophan, which is neutral and slightly polar, at codon 285 of the ABCC8 protein (p.Arg285Trp). This variant is present in population databases (rs773087569, gnomAD 0.06%). This variant has not been reported in the literature in individuals affected with ABCC8-related conditions. ClinVar contains an entry for this variant (Variation ID: 303784). Advanced modeling of protein sequence and biophysical properties (such as structural, functional, and spatial information, amino acid conservation, physicochemical variation, residue mobility, and thermodynamic stability) has been performed at Invitae for this missense variant, however the output from this modeling did not meet the statistical confidence thresholds required to predict the impact of this variant on ABCC8 protein function. In summary, the available evidence is currently insufficient to determine the role of this variant in disease. Therefore, it has been classified as a Variant of Uncertain Significance.

Illumina Laboratory Services, Illumina
Classification: Uncertain significance for Permanent neonatal diabetes mellitus 1. Last evaluated: 2018-01-13. Review status: criteria provided, single submitter. Criteria: ICSL Variant Classification Criteria 13 December 2019. Collection method: clinical testing. Allele origin: germline.

Illumina Laboratory Services, Illumina
Classification: Uncertain significance for Hyperinsulinemic hypoglycemia, familial, 1. Last evaluated: 2018-01-13. Review status: criteria provided, single submitter. Criteria: ICSL Variant Classification Criteria 13 December 2019. Collection method: clinical testing. Allele origin: germline.

Clinical Genomics, Uppaluri K&H Personalized Medicine Clinic
Classification: Uncertain significance for Maturity-onset diabetes of the young. Review status: criteria provided, single submitter. Criteria: K & H Uppaluri Personalized Medicine Clinic Variant Classification & Assertion Criteria_Updated V.1. Collection method: research. Allele origin: unknown. Inheritance: Somatic mutation.
Comment: Mutations in ABCC8 gene are associated with both neonatal diabetes mellitus as well as MODY. Patients with this mutation may have a better response to sulfonylureas. However, no sufficient evidence is found to ascertain the role of this particular variant ( rs773087569) in mody yet.

Clinical Genomics, Uppaluri K&H Personalized Medicine Clinic
Classification: Benign for Transitory neonatal diabetes mellitus. Review status: flagged submission. Criteria: K & H Uppaluri Personalized Medicine Clinic Variant Classification & Assertion Criteria_Updated V.1. Collection method: research. Allele origin: unknown. Not counted in ClinVar's aggregate classification.
Comment: Mutations in ABCC8 gene are associated with both neonatal diabetes mellitus as well as MODY. Patients with this mutation may have a better response to sulfonylureas. However, no sufficient evidence is found to ascertain the role of this particular variant (rs773087569) in neonatal diabetes yet.
ClinVar note: Reason: Outlier claim with insufficient supporting evidence

Literature cited by the submitters: PubMed 16885549 (cited by Clinical Genomics, Uppaluri K&H Personalized Medicine Clinic); PubMed 21989597 (cited by Clinical Genomics, Uppaluri K&H Personalized Medicine Clinic); PubMed 27538677 (cited by Clinical Genomics, Uppaluri K&H Personalized Medicine Clinic); PubMed 18981553 (cited by Clinical Genomics, Uppaluri K&H Personalized Medicine Clinic); PubMed 32027066 (cited by Clinical Genomics, Uppaluri K&H Personalized Medicine Clinic); PubMed 16613899 (cited by Clinical Genomics, Uppaluri K&H Personalized Medicine Clinic); PubMed 18025408 (cited by Clinical Genomics, Uppaluri K&H Personalized Medicine Clinic); PubMed 32792356 (cited by Clinical Genomics, Uppaluri K&H Personalized Medicine Clinic).

NM_000352.6(ABCC8):c.853C>T (p.Arg285Trp)

Gene: ABCC8 (ATP binding cassette subfamily C member 8; minus strand). Cytogenetic location: 11p15.1.
Variant type: single nucleotide variant.
Coding change: c.853C>T on transcript NM_000352.6 (MANE Select); coding-DNA position 853, C replaced by T.
Protein change: p.Arg285Trp; replaces arginine 285 with tryptophan.
Molecular consequence: missense variant. On other transcripts: non-coding transcript variant (1).
Genome position (GRCh38, 1-based): chr11:17,460,646, G>A on the plus strand (C>T on the coding strand, the complement: ABCC8 is on the minus strand). VCF-style: chr11-17460646-G-A. GRCh37 (hg19) VCF-style: chr11-17482193-G-A.
Other names: c.853C>T, p.Arg285Trp (NM_001287174.3, NM_001351295.2); c.850C>T, p.Arg284Trp (NM_001351296.2, NM_001351297.2); short protein forms R285W, R284W.
Identifiers: ClinVar variation 303784 (VCV000303784.9), dbSNP rs773087569, ClinGen allele CA5903741.